The following is an entry in ClinVar:

NM_001909.5(CTSD):c.1066C>T (p.Leu356Phe)

Gene: CTSD (cathepsin D; minus strand). Cytogenetic location: 11p15.5.
Variant type: single nucleotide variant.
Coding change: c.1066C>T on transcript NM_001909.5 (MANE Select); coding-DNA position 1066, C replaced by T.
Protein change: p.Leu356Phe; replaces leucine 356 with phenylalanine.
Molecular consequence: missense variant.
Genome position (GRCh38, 1-based): chr11:1,753,808, G>A on the plus strand (C>T on the coding strand, the complement: CTSD is on the minus strand). VCF-style: chr11-1753808-G-A. GRCh37 (hg19) VCF-style: chr11-1775038-G-A.
Other names: c.1066C>T (NM_001909.4); short protein forms L356F.
Identifiers: ClinVar variation 1433762 (VCV001433762.4), dbSNP rs775579878, ClinGen allele CA5813945.
Genomic context (GRCh38, chr11:1,753,808, plus strand): 5'-GCGCCCCCTCACCGCCCGCTCACCTGGGGCGTGCGGCACCCCATTGCCCGCTCACCTTGA[G>A]CGTGTAGTCCTCTGGGGACAGCTTGTAGCCTTTGCCTCCCAGCTTCAGTGTGATCGCGGG-3'
Protein context (NP_001900.1, residues 346-366): GYKLSPEDYT[Leu356Phe]KVSQAGKTLC

ClinVar aggregate classification (germline): Uncertain significance. Review status: criteria provided, multiple submitters, no conflicts (2 of 4 stars). 2 submissions from 2 submitters: Uncertain significance (2). Last evaluated 2025-11-05.

Conditions:
Inborn genetic diseases. Identifiers: MedGen C0950123, MeSH D030342.
Neuronal ceroid lipofuscinosis. Also called: Neuronal Ceroid Lipofuscinoses. Identifiers: Orphanet 216, Orphanet 79263, MedGen C0027877, MONDO:0016295. Disease mechanism: loss of function.

Allele frequency attached by ClinVar (database versions not stated): gnomAD 0.00001; gnomAD exomes 0.00001; ExAC 0.00002; TOPMed 0.00002.
gnomAD v4.1: 6 of 1,613,442 alleles (0.00037%); highest among the groups gnomAD compares: Admixed American, 0.01%; no homozygotes.

Submissions (2):

Ambry Genetics
Classification: Uncertain significance for Inborn genetic diseases. Last evaluated: 2025-11-05. Review status: criteria provided, single submitter. Criteria: Ambry Variant Classification Scheme 2023. Collection method: clinical testing. Allele origin: germline.

Labcorp Genetics (formerly Invitae), Labcorp
Classification: Uncertain significance for Neuronal ceroid lipofuscinosis. Last evaluated: 2022-08-06. Review status: criteria provided, single submitter. Criteria: Invitae Variant Classification Sherloc (09022015). Collection method: clinical testing. Allele origin: germline.
Comment: This sequence change replaces leucine, which is neutral and non-polar, with phenylalanine, which is neutral and non-polar, at codon 356 of the CTSD protein (p.Leu356Phe). This variant is present in population databases (rs775579878, gnomAD 0.01%). This variant has not been reported in the literature in individuals affected with CTSD-related conditions. ClinVar contains an entry for this variant (Variation ID: 1433762). Algorithms developed to predict the effect of missense changes on protein structure and function (SIFT, PolyPhen-2, Align-GVGD) all suggest that this variant is likely to be tolerated. In summary, the available evidence is currently insufficient to determine the role of this variant in disease. Therefore, it has been classified as a Variant of Uncertain Significance.